The following is an entry in ClinVar:

ClinVar aggregate classification (germline): Uncertain significance (1 of 4 stars; one submission).

Allele frequency attached by ClinVar (database versions not stated): gnomAD exomes below 0.00001.

Submission:

Labcorp Genetics (formerly Invitae), Labcorp
Classification: Uncertain significance. Last evaluated: 2024-09-05. Review status: criteria provided, single submitter. Criteria: Invitae Variant Classification Sherloc (09022015). Collection method: clinical testing. Allele origin: germline.
Comment: This sequence change creates a premature translational stop signal (p.Gln486Argfs*4) in the GSN gene. It is expected to result in an absent or disrupted protein product. However, the current clinical and genetic evidence is not sufficient to establish whether loss-of-function variants in GSN cause disease. This variant is not present in population databases (gnomAD no frequency). This variant has not been reported in the literature in individuals affected with GSN-related conditions. ClinVar contains an entry for this variant (Variation ID: 2164104). In summary, the available evidence is currently insufficient to determine the role of this variant in disease. Therefore, it has been classified as a Variant of Uncertain Significance.

NM_198252.3(GSN):c.1304del (p.Gln435fs)

Gene: GSN (gelsolin; plus strand). Cytogenetic location: 9q33.2.
Variant type: Deletion.
Coding change: c.1304del on transcript NM_198252.3 (MANE Select); coding-DNA position 1304, one base deleted (A; older notation c.1304delA).
Protein change: p.Gln435fs; shifts the reading frame from glutamine 435.
Molecular consequence: frameshift variant.
Genome position (GRCh38, 1-based): chr9:121,321,380, A deleted. VCF-style (leftmost placement, unchanged base first): chr9-121321379-CA-C. GRCh37 (hg19) VCF-style: chr9-124083657-CA-C.
Other names: c.1457del, p.Gln486fs (NM_000177.5); c.1304del, p.Gln435fs (NM_001127662.2, NM_001127664.2, NM_001127665.2 and 10 more transcripts); c.1412del, p.Gln471fs (NM_001127663.2); c.1337del, p.Gln446fs (NM_001127666.2, NM_001127667.2, NM_001353063.2 and 13 more transcripts); c.1355del, p.Gln452fs (NM_001258029.2); c.1328del, p.Gln443fs (NM_001258030.2); c.1376del, p.Gln459fs (NM_001353076.2); c.650del, p.Gln217fs (NM_001353078.2); short protein forms Q217fs, Q459fs, Q471fs, Q435fs, Q443fs, Q446fs, Q452fs, Q486fs.
Identifiers: ClinVar variation 2164104 (VCV002164104.4), dbSNP rs2541042785, ClinGen allele CA2580079550.